The following is an entry in ClinVar:

ClinVar aggregate classification (germline): Uncertain significance. Review status: criteria provided, multiple submitters, no conflicts (2 of 4 stars). 2 submissions from 2 submitters: Uncertain significance (2). Last evaluated 2026-07-13.

Conditions:
ADCY3-related disorder. Also called: ADCY3-related condition.
Inborn genetic diseases. Identifiers: MedGen C0950123, MeSH D030342.

Allele frequency attached by ClinVar (database versions not stated): TOPMed below 0.00001; gnomAD 0.00001.
gnomAD v4.1: 1 of 1,613,660 alleles (0.000062%); highest among the groups gnomAD compares: Non-Finnish European, 0.000085%; no homozygotes.

Submissions (2):

PreventionGenetics, part of Exact Sciences
Classification: Uncertain significance for ADCY3-related condition. Last evaluated: 2026-07-13. Review status: criteria provided, single submitter. Criteria: ACMG Guidelines, 2015. Collection method: clinical testing. Allele origin: germline.
Comment: The ADCY3 c.1696A>G variant is predicted to result in the amino acid substitution p.Arg566Gly. To our knowledge, this variant has not been reported in the literature. This variant is reported in 0.00089% of alleles in individuals of European (non-Finnish) descent in gnomAD. At this time, the clinical significance of this variant is uncertain due to the absence of conclusive functional and genetic evidence.

Ambry Genetics
Classification: Uncertain significance for Inborn genetic diseases. Last evaluated: 2024-08-14. Review status: criteria provided, single submitter. Criteria: Ambry Variant Classification Scheme 2023. Collection method: clinical testing. Allele origin: germline.

NM_004036.5(ADCY3):c.1696A>G (p.Arg566Gly)

Gene: ADCY3 (adenylate cyclase 3; minus strand). Cytogenetic location: 2p23.3.
Variant type: single nucleotide variant.
Coding change: c.1696A>G on transcript NM_004036.5 (MANE Select); coding-DNA position 1696, A replaced by G.
Protein change: p.Arg566Gly; replaces arginine 566 with glycine.
Molecular consequence: missense variant.
Genome position (GRCh38, 1-based): chr2:24,834,903, T>C on the plus strand (A>G on the coding strand, the complement: ADCY3 is on the minus strand). VCF-style: chr2-24834903-T-C. GRCh37 (hg19) VCF-style: chr2-25057772-T-C.
Other names: c.1696A>G, p.Arg566Gly (NM_001320613.2, NM_001377129.1, NM_001377130.1 and 1 more transcripts); c.1762A>G, p.Arg588Gly (NM_001377128.1); c.973A>G, p.Arg325Gly (NM_001377131.1); c.1696A>G (NM_004036.3); short protein forms R325G, R566G, R588G.
Identifiers: ClinVar variation 2636709 (VCV002636709.4), dbSNP rs1274972048, ClinGen allele CA346059348.